The following is an entry in ClinVar:

NM_001042492.3(NF1):c.231_235del (p.Lys77fs)

Gene: NF1 (neurofibromin 1; plus strand). Cytogenetic location: 17q11.2.
Variant type: Deletion.
Coding change: c.231_235del on transcript NM_001042492.3 (MANE Select); coding-DNA positions 231 to 235, 5 bases deleted (AAATT; older notation c.231_235delAAATT).
Protein change: p.Lys77fs; shifts the reading frame from lysine 77.
Molecular consequence: frameshift variant.
Genome position (GRCh38, 1-based): chr17:31,159,036-31,159,040, AAATT deleted. VCF-style (leftmost placement, unchanged base first): chr17-31159035-AAAATT-A. GRCh37 (hg19) VCF-style: chr17-29486053-AAAATT-A.
Other names: c.231_235delAAATT, p.Lys77Asnfs (NM_000267.4); c.231_235del, p.Lys77fs (NM_001128147.3); short protein forms K77fs.
Identifiers: ClinVar variation 2018110 (VCV002018110.4), dbSNP rs2544690455, ClinGen allele CA2580092865.
Genomic context (GRCh38, chr17:31,159,035, plus strand): 5'-ACTAACTTTTATGTTCTGAATATCTTTTCTGTTAGAGAATATTTGGAGAAGCTGCTGAAA[AAAATT>A]TATATCTCTCTCAGTTGATTATATTGGATACACTGGAAAAATGTCTTGCTGGGGTAAGTA-3'

ClinVar aggregate classification (germline): Pathogenic (1 of 4 stars; one submission).

Conditions:
Neurofibromatosis, type 1 (NF1). Also called: NEUROFIBROMATOSIS, TYPE I, SOMATIC; Neurofibromatosis, type I; Peripheral type neurofibromatosis; VON RECKLINGHAUSEN DISEASE. Identifiers: Orphanet 636, MedGen C0027831, MONDO:0018975, OMIM 162200. Disease mechanism: loss of function.

Submission:

Labcorp Genetics (formerly Invitae), Labcorp
Classification: Pathogenic for Neurofibromatosis, type 1. Last evaluated: 2023-02-24. Review status: criteria provided, single submitter. Criteria: Invitae Variant Classification Sherloc (09022015). Collection method: clinical testing. Allele origin: germline.
Comment: For these reasons, this variant has been classified as Pathogenic. ClinVar contains an entry for this variant (Variation ID: 2018110). This variant has not been reported in the literature in individuals affected with NF1-related conditions. This variant is not present in population databases (gnomAD no frequency). This sequence change creates a premature translational stop signal (p.Lys77Asnfs*28) in the NF1 gene. It is expected to result in an absent or disrupted protein product. Loss-of-function variants in NF1 are known to be pathogenic (PMID: 10712197, 23913538).

Literature cited by the submitters: PubMed 10712197; PubMed 23913538.